The following is an entry in ClinVar:

NM_147127.5(EVC2):c.871-3C>G

Gene: EVC2 (EvC ciliary complex subunit 2; minus strand). Cytogenetic location: 4p16.2.
Variant type: single nucleotide variant.
Coding change: c.871-3C>G on transcript NM_147127.5 (MANE Select); 3 bases into the intron before coding-DNA position 871, C replaced by G.
Molecular consequence: intron variant.
Genome position (GRCh38, 1-based): chr4:5,665,652, G>C on the plus strand (C>G on the coding strand, the complement: EVC2 is on the minus strand). VCF-style: chr4-5665652-G-C. GRCh37 (hg19) VCF-style: chr4-5667379-G-C.
Other names: c.631-3C>G (NM_001166136.2).
Identifiers: ClinVar variation 3896339 (VCV003896339.2).

ClinVar aggregate classification (germline): Uncertain significance (1 of 4 stars; one submission).

Submission:

Women's Health and Genetics/Laboratory Corporation of America, LabCorp
Classification: Uncertain significance. Last evaluated: 2025-04-10. Review status: criteria provided, single submitter. Criteria: LabCorp Variant Classification Summary - May 2015. Collection method: clinical testing. Allele origin: germline.
Comment: Variant summary: EVC2 c.871-3C>G alters a non-conserved nucleotide located close to a canonical splice site and therefore could affect mRNA splicing, leading to a significantly altered protein sequence. Several computational tools predict a significant impact on normal splicing: Four predict the variant weakens a 3' acceptor site. Four predict the variant creates a 3' acceptor site two nucleotides upstream of the canonical 3'acceptor splite site. However, these predictions have yet to be confirmed by functional studies. The variant was absent in 250882 control chromosomes. c.871-3C>G has been observed in multiple compound heterozygous individuals affected with Ellis-van Creveld syndrome (e.g. Ohashi_2019). These data indicate that the variant may be associated with disease. To our knowledge, no experimental evidence demonstrating an impact on protein function has been reported. The following publication has been ascertained in the context of this evaluation (PMID: 31645978). No submitters have cited clinical-significance assessments for this variant to ClinVar. Based on the evidence outlined above, the variant was classified as VUS-possibly pathogenic.

Literature cited by the submitters: PubMed 31645978.